The following is an entry in ClinVar:

NM_020708.5(SLC12A5):c.482-5T>C

Gene: SLC12A5 (solute carrier family 12 member 5; plus strand). Cytogenetic location: 20q13.12.
Variant type: single nucleotide variant.
Coding change: c.482-5T>C on transcript NM_020708.5 (MANE Select); 5 bases into the intron before coding-DNA position 482, T replaced by C.
Molecular consequence: intron variant.
Genome position (GRCh38, 1-based): chr20:46,037,250, T>C. VCF-style: chr20-46037250-T-C. GRCh37 (hg19) VCF-style: chr20-44665889-T-C.
Other names: p.?; c.551-5T>C (NM_001134771.2).
Identifiers: ClinVar variation 475657 (VCV000475657.47), dbSNP rs147042920, ClinGen allele CA9887098.
Genomic context (GRCh38, chr20:46,037,250, plus strand): 5'-CCCCTCACCCCTTACGGCAGCCCAGTGCCCCCGACCCTCTCGCTGATACCAGATTCTCCC[T>C]GCAGCTGGTGGCTCCTACTACATGATTTCCAGGTCTCTGGGCCCAGAGTTTGGGGGTGCC-3'

ClinVar aggregate classification (germline): Benign/Likely benign. Review status: criteria provided, multiple submitters, no conflicts (2 of 4 stars). 7 submissions from 7 submitters: Benign (5); Likely benign (1). 1 of the submissions does not count toward it. Last evaluated 2026-09-01.

Conditions:
SLC12A5-related disorder. Also called: SLC12A5-related condition.
Developmental and epileptic encephalopathy, 34 (DEE34). Also called: Early infantile epileptic encephalopathy 34; SLC12A5-Related Epilepsy of Infancy with Migrating Focal Seizures. Identifiers: Orphanet 293181, MedGen C4225257, MONDO:0014718, OMIM 616645.

Allele frequency attached by ClinVar (database versions not stated): 1000 Genomes Project 30x 0.00531; 1000 Genomes Project 0.00539; gnomAD 0.00631 and 0.00670; TOPMed 0.00670; gnomAD exomes 0.00697 and 0.01026; ExAC 0.00731; ESP Exome Variant Server 0.00769.
gnomAD v4.1: 15,812 of 1,596,084 alleles (0.99%); highest among the groups gnomAD compares: South Asian, 1.2%; 112 homozygotes.

Submissions (7):

CeGaT Center for Human Genetics Tuebingen
Classification: Benign. Last evaluated: 2026-09-01. Review status: criteria provided, single submitter. Criteria: CeGaT Center For Human Genetics Tuebingen Variant Classification Criteria Version 2. Collection method: clinical testing. Allele origin: germline. Affected: yes. Observed: 39 variant alleles.
Comment: SLC12A5: BP4, BS1, BS2

Labcorp Genetics (formerly Invitae), Labcorp
Classification: Benign for Developmental and epileptic encephalopathy, 34. Last evaluated: 2026-02-03. Review status: criteria provided, single submitter. Criteria: Invitae Variant Classification Sherloc (09022015). Collection method: clinical testing. Allele origin: germline.

ARUP Laboratories, Molecular Genetics and Genomics, ARUP Laboratories
Classification: Benign. Last evaluated: 2025-04-30. Review status: criteria provided, single submitter. Criteria: ARUP Molecular Germline Variant Investigation Process 2024. Collection method: clinical testing. Allele origin: germline.

Mayo Clinic Laboratories, Mayo Clinic
Classification: Benign. Last evaluated: 2025-03-26. Review status: criteria provided, single submitter. Criteria: ACMG Guidelines, 2015. Collection method: clinical testing. Allele origin: germline. Observed: 1 variant allele.
Comment: BA1, BP4, BP7

Blueprint Genetics
Classification: Likely benign. Last evaluated: 2024-11-27. Review status: criteria provided, single submitter. Criteria: ACMG Guidelines, 2015. Collection method: clinical testing. Allele origin: germline.

Breakthrough Genomics
Classification: Benign. Review status: criteria provided, single submitter. Criteria: ACMG Guidelines, 2015. Collection method: not provided. Allele origin: germline. Inheritance: Autosomal recessive inheritance. Affected: yes.

PreventionGenetics, part of Exact Sciences
Classification: Benign for SLC12A5-related condition. Last evaluated: 2024-03-21. Review status: no assertion criteria provided. Collection method: clinical testing. Allele origin: germline. Not counted in ClinVar's aggregate classification.
Comment: This variant is classified as benign based on ACMG/AMP sequence variant interpretation guidelines (Richards et al. 2015 PMID: 25741868, with internal and published modifications).